The following is an entry in ClinVar:

NM_000268.4(NF2):c.424G>C (p.Ala142Pro)

Gene: NF2 (NF2, moesin-ezrin-radixin like (MERLIN) tumor suppressor; plus strand). Cytogenetic location: 22q12.2.
Variant type: single nucleotide variant.
Coding change: c.424G>C on transcript NM_000268.4 (MANE Select); coding-DNA position 424, G replaced by C.
Protein change: p.Ala142Pro; replaces alanine 142 with proline.
Molecular consequence: missense variant. On other transcripts: non-coding transcript variant (1), 5 prime UTR variant (1).
Genome position (GRCh38, 1-based): chr22:29,642,262, G>C. VCF-style: chr22-29642262-G-C. GRCh37 (hg19) VCF-style: chr22-30038251-G-C.
Other names: c.310G>C, p.Ala104Pro (NM_001407053.1, NM_001407056.1); c.301G>C, p.Ala101Pro (NM_001407054.1, NM_181829.3, NM_001407058.1 and 1 more transcripts); c.298G>C, p.Ala100Pro (NM_001407055.1, NM_181828.3); c.424G>C, p.Ala142Pro (NM_001407066.1, NM_016418.5, NM_181825.3 and 5 more transcripts); c.193G>C, p.Ala65Pro (NM_001407067.1); c.175G>C, p.Ala59Pro (NM_181830.3, NM_181831.3, NM_001407063.1 and 1 more transcripts); c.-217G>C (NM_001407065.1); short protein forms A100P, A101P, A104P, A142P, A59P, A65P.
Identifiers: ClinVar variation 4861014 (VCV004861014.1).

ClinVar aggregate classification (germline): Uncertain significance (1 of 4 stars; one submission).

Conditions:
Hereditary cancer-predisposing syndrome. Also called: Neoplastic Syndromes, Hereditary; Tumor predisposition; Hereditary Cancer Syndrome; Hereditary neoplastic syndrome. Identifiers: Orphanet 140162, MedGen C0027672, MeSH D009386, MONDO:0015356.

Submission:

Ambry Genetics
Classification: Uncertain significance for Hereditary cancer-predisposing syndrome. Last evaluated: 2026-03-29. Review status: criteria provided, single submitter. Criteria: Ambry Variant Classification Scheme 2023. Collection method: clinical testing. Allele origin: germline.
Comment: The p.A142P variant (also known as c.424G>C), located in coding exon 4 of the NF2 gene, results from a G to C substitution at nucleotide position 424. The alanine at codon 142 is replaced by proline, an amino acid with highly similar properties. This amino acid position is conserved. In addition, this alteration is predicted to be deleterious by in silico analysis. Based on the available evidence, the clinical significance of this variant remains unclear.